The following is an entry in ClinVar:

ClinVar aggregate classification (germline): Uncertain significance (1 of 4 stars; one submission).

Conditions:
Candidiasis, familial, 6 (CANDF6). Also called: Candidiasis, familial, 6, autosomal dominant. Identifiers: Orphanet 1334, MedGen C3151405, MONDO:0013503, OMIM 613956.

Allele frequency attached by ClinVar (database versions not stated): TOPMed below 0.00001; gnomAD 0.00001.
gnomAD v4.1: 1 of 1,613,822 alleles (0.000062%); highest among the groups gnomAD compares: Non-Finnish European, 0.000085%; no homozygotes.

Submission:

Labcorp Genetics (formerly Invitae), Labcorp
Classification: Uncertain significance for Candidiasis, familial, 6. Last evaluated: 2022-03-12. Review status: criteria provided, single submitter. Criteria: Invitae Variant Classification Sherloc (09022015). Collection method: clinical testing. Allele origin: germline.
Comment: In summary, the available evidence is currently insufficient to determine the role of this variant in disease. Therefore, it has been classified as a Variant of Uncertain Significance. Algorithms developed to predict the effect of missense changes on protein structure and function (SIFT, PolyPhen-2, Align-GVGD) all suggest that this variant is likely to be disruptive. This variant has not been reported in the literature in individuals affected with IL17F-related conditions. This variant is not present in population databases (gnomAD no frequency). This sequence change replaces proline, which is neutral and non-polar, with serine, which is neutral and polar, at codon 81 of the IL17F protein (p.Pro81Ser).

NM_052872.4(IL17F):c.241C>T (p.Pro81Ser)

Gene: IL17F (interleukin 17F; minus strand). Cytogenetic location: 6p12.2.
Variant type: single nucleotide variant.
Coding change: c.241C>T on transcript NM_052872.4 (MANE Select); coding-DNA position 241, C replaced by T.
Protein change: p.Pro81Ser; replaces proline 81 with serine.
Molecular consequence: missense variant.
Genome position (GRCh38, 1-based): chr6:52,238,743, G>A on the plus strand (C>T on the coding strand, the complement: IL17F is on the minus strand). VCF-style: chr6-52238743-G-A. GRCh37 (hg19) VCF-style: chr6-52103541-G-A.
Other names: short protein forms P81S.
Identifiers: ClinVar variation 1941499 (VCV001941499.5), dbSNP rs530331585, ClinGen allele CA138969932.
Genomic context (GRCh38, chr6:52,238,743, plus strand): 5'-AACATATTTTTCCAAAGAATGTGAAAATCAGTCTCATTTGCACTTACGTGTAATTCCAGG[G>A]GGAGGTGGAGCGGCTCTCGATGTTACGTGACATGGAAACGCGCTGGTTTTCATTGATGAT-3'
Protein context (NP_443104.1, residues 71-91): SRNIESRSTS[Pro81Ser]WNYTVTWDPN